The following is an entry in ClinVar:

NM_000138.5(FBN1):c.1007G>A (p.Cys336Tyr)

Genes: FBN1 (fibrillin 1; minus strand), LOC113939944 (Sharpr-MPRA regulatory region 9539; plus strand). Cytogenetic location: 15q21.1.
Variant type: single nucleotide variant.
Coding change: c.1007G>A on transcript NM_000138.5 (MANE Select); coding-DNA position 1007, G replaced by A.
Protein change: p.Cys336Tyr; replaces cysteine 336 with tyrosine.
Molecular consequence: missense variant.
Genome position (GRCh38, 1-based): chr15:48,520,799, C>T on the plus strand (G>A on the coding strand, the complement: FBN1 is on the minus strand). VCF-style: chr15-48520799-C-T. GRCh37 (hg19) VCF-style: chr15-48812996-C-T.
Other names: short protein forms C336Y.
Identifiers: ClinVar variation 1469554 (VCV001469554.6), dbSNP rs2141336245, ClinGen allele CA392347898.

ClinVar aggregate classification (germline): Likely pathogenic (1 of 4 stars; one submission).

Conditions:
Marfan syndrome (MFS). Also called: MARFAN SYNDROME, TYPE I; Marfan syndrome type 1; Marfan's syndrome; Marfan syndrome, classic; FBN1-Related Marfan Syndrome. Identifiers: Orphanet 284963, Orphanet 558, MedGen C0024796, MONDO:0007947, OMIM 154700.
Familial thoracic aortic aneurysm and aortic dissection (TAAD). Also called: Thoracic aortic aneurysms and dissections. Identifiers: Orphanet 91387, MedGen C4707243, MONDO:0019625.

Submission:

Labcorp Genetics (formerly Invitae), Labcorp
Classification: Likely pathogenic for Marfan syndrome; Familial thoracic aortic aneurysm and aortic dissection. Last evaluated: 2022-09-04. Review status: criteria provided, single submitter. Criteria: Invitae Variant Classification Sherloc (09022015). Collection method: clinical testing. Allele origin: germline.
Comment: Advanced modeling of protein sequence and biophysical properties (such as structural, functional, and spatial information, amino acid conservation, physicochemical variation, residue mobility, and thermodynamic stability) performed at Invitae indicates that this missense variant is expected to disrupt FBN1 protein function. ClinVar contains an entry for this variant (Variation ID: 1469554). This variant has not been reported in the literature in individuals affected with FBN1-related conditions. This variant is not present in population databases (gnomAD no frequency). This sequence change replaces cysteine, which is neutral and slightly polar, with tyrosine, which is neutral and polar, at codon 336 of the FBN1 protein (p.Cys336Tyr). This variant affects a cysteine residue in the EGF-like, TGFBP or hybrid motif domains of FBN1. Cysteine residues are believed to be involved in intramolecular disulfide bridges and have been shown to be important for FBN1 protein structure (PMID: 16905551, 19349279). In addition, missense substitutions affecting cysteine residues within these domains are significantly overrepresented among patients with Marfan syndrome (PMID: 16571647, 17701892). In summary, the currently available evidence indicates that the variant is pathogenic, but additional data are needed to prove that conclusively. Therefore, this variant has been classified as Likely Pathogenic. This variant disrupts the p.Cys336 amino acid residue in FBN1. Other variant(s) that disrupt this residue have been observed in individuals with FBN1-related conditions (PMID: 27906200; Invitae), which suggests that this may be a clinically significant amino acid residue.

Literature cited by the submitters: PubMed 16905551; PubMed 19349279; PubMed 16571647; PubMed 17701892; PubMed 27906200.